The following is an entry in ClinVar:

NM_022552.5(DNMT3A):c.1450_1451dup (p.Gln485fs)

Gene: DNMT3A (DNA methyltransferase 3 alpha; minus strand). Cytogenetic location: 2p23.3.
Variant type: Duplication.
Coding change: c.1450_1451dup on transcript NM_022552.5 (MANE Select); coding-DNA positions 1450 to 1451, 2 bases duplicated (CG; older notation c.1450_1451dupCG).
Protein change: p.Gln485fs; shifts the reading frame from glutamine 485.
Molecular consequence: frameshift variant. On other transcripts: non-coding transcript variant (1).
Genome position (GRCh38, 1-based): chr2:25,246,043-25,246,044, CG duplicated on the plus strand (CG on the coding strand, the reverse complement: DNMT3A is on the minus strand); duplicating any 2 consecutive bases within chr2:25,246,043-25,246,045 gives the same sequence; the c. name uses the placement nearest the transcript's 3' end. VCF-style (leftmost placement, unchanged base first): chr2-25246042-C-CCG. GRCh37 (hg19) VCF-style: chr2-25468911-C-CCG.
Other names: c.994_995dup, p.Gln333fs (NM_001320893.1); c.781_782dup, p.Gln262fs (NM_001375819.1); c.883_884dup, p.Gln296fs (NM_153759.3); c.1450_1451dup, p.Gln485fs (NM_175629.2); c.1450_1451dupCG (NM_175629.2); short protein forms Q485fs, Q262fs, Q296fs, Q333fs.
Identifiers: ClinVar variation 430057 (VCV000430057.1), dbSNP rs1131691760, ClinGen allele CA645369153.

ClinVar aggregate classification (germline): Likely pathogenic (1 of 4 stars; one submission).

Submission:

GeneDx
Classification: Likely pathogenic. Last evaluated: 2017-05-05. Review status: criteria provided, single submitter. Criteria: GeneDx Variant Classification (06012015). Collection method: clinical testing. Allele origin: germline. Affected: yes.
Comment: The c.1450_1451dupCG variant in the DNMT3A gene has not been reported previously as a pathogenic variant nor as a benign variant, to our knowledge. The c.1450_1451dupCG variant causes a frameshift starting with codon Glutamine 485, changes this amino acid to a Glycine residue, and creates a premature Stop codon at position 167 of the new reading frame, denoted p.Gln485GlyfsX167. This variant is predicted to cause loss of normal protein function either through protein truncation or nonsense-mediated mRNA decay. The c.1450_1451dupCG variant is not observed in large population cohorts (Lek et al., 2016; 1000 Genomes Consortium et al., 2015; Exome Variant Server). We interpret c.1450_1451dupCG as a likely pathogenic variant.